The following is an entry in ClinVar:

NM_002878.4(RAD51D):c.676T>A (p.Leu226Met)

Genes: RAD51L3-RFFL (RAD51L3-RFFL readthrough; minus strand), RAD51D (RAD51 paralog D; minus strand). Cytogenetic location: 17q12.
Variant type: single nucleotide variant.
Coding change: c.676T>A on transcript NM_002878.4 (MANE Select); coding-DNA position 676, T replaced by A.
Protein change: p.Leu226Met; replaces leucine 226 with methionine.
Molecular consequence: missense variant. On other transcripts: non-coding transcript variant (3).
Genome position (GRCh38, 1-based): chr17:35,103,316, A>T on the plus strand (T>A on the coding strand, the complement: RAD51D is on the minus strand). VCF-style: chr17-35103316-A-T. GRCh37 (hg19) VCF-style: chr17-33430335-A-T.
Other names: c.736T>A, p.Leu246Met (NM_001142571.2); c.340T>A, p.Leu114Met (NM_133629.3); short protein forms L114M, L246M, L226M.
Identifiers: ClinVar variation 1755352 (VCV001755352.2), dbSNP rs1555567533, ClinGen allele CA399087794.

ClinVar aggregate classification (germline): Uncertain significance (1 of 4 stars; one submission).

Conditions:
Hereditary cancer-predisposing syndrome. Also called: Neoplastic Syndromes, Hereditary; Tumor predisposition; Hereditary Cancer Syndrome; Hereditary neoplastic syndrome. Identifiers: Orphanet 140162, MedGen C0027672, MeSH D009386, MONDO:0015356.

Submission:

Ambry Genetics
Classification: Uncertain significance for Hereditary cancer-predisposing syndrome. Last evaluated: 2019-06-21. Review status: criteria provided, single submitter. Criteria: Ambry Variant Classification Scheme 2023. Collection method: clinical testing. Allele origin: germline.
Comment: The p.L226M variant (also known as c.676T>A), located in coding exon 8 of the RAD51D gene, results from a T to A substitution at nucleotide position 676. The leucine at codon 226 is replaced by methionine, an amino acid with highly similar properties. This amino acid position is highly conserved in available vertebrate species. In addition, this alteration is predicted to be tolerated by in silico analysis. Since supporting evidence is limited at this time, the clinical significance of this alteration remains unclear.